The following is an entry in ClinVar:

NM_005245.4(FAT1):c.13158A>C (p.Ser4386=)

Genes: FAT1 (FAT atypical cadherin 1; minus strand), LOC126807253 (BRD4-independent group 4 enhancer GRCh37_chr4:187509297-187510496; plus strand). Cytogenetic location: 4q35.2.
Variant type: single nucleotide variant.
Coding change: c.13158A>C on transcript NM_005245.4 (MANE Select); coding-DNA position 13158, A replaced by C.
Protein change: p.Ser4386=; no amino-acid change (serine 4386 retained).
Molecular consequence: synonymous variant.
Genome position (GRCh38, 1-based): chr4:186,589,201, T>G on the plus strand (A>C on the coding strand, the complement: FAT1 is on the minus strand). VCF-style: chr4-186589201-T-G. GRCh37 (hg19) VCF-style: chr4-187510355-T-G.
Other names: p.Ser4386=.
Identifiers: ClinVar variation 1299825 (VCV001299825.32), dbSNP rs201618936, ClinGen allele CA3164599.

ClinVar aggregate classification (germline): Likely benign. Review status: criteria provided, multiple submitters, no conflicts (2 of 4 stars). 6 submissions from 6 submitters: Likely benign (4). 2 of the submissions do not count toward it. Last evaluated 2026-01-14.

Allele frequency attached by ClinVar (database versions not stated): ExAC 0.00016; gnomAD exomes 0.00021 and 0.00023; gnomAD 0.00023 and 0.00025; TOPMed 0.00029; 1000 Genomes Project 0.00040; 1000 Genomes Project 30x 0.00062.
gnomAD v4.1: 393 of 1,612,308 alleles (0.024%); highest among the groups gnomAD compares: Middle Eastern, 0.12%; no homozygotes.

Submissions (6):

Labcorp Genetics (formerly Invitae), Labcorp
Classification: Likely benign. Last evaluated: 2026-01-14. Review status: criteria provided, single submitter. Criteria: Invitae Variant Classification Sherloc (09022015). Collection method: clinical testing. Allele origin: germline.

Mayo Clinic Laboratories, Mayo Clinic
Classification: Likely benign. Last evaluated: 2025-02-10. Review status: criteria provided, single submitter. Criteria: ACMG Guidelines, 2015. Collection method: clinical testing. Allele origin: germline. Observed: 1 variant allele.
Comment: BP4, BP7

Blueprint Genetics
Classification: Likely benign. Last evaluated: 2024-11-05. Review status: criteria provided, single submitter. Criteria: ACMG Guidelines, 2015. Collection method: clinical testing. Allele origin: germline.

CeGaT Center for Human Genetics Tuebingen
Classification: Likely benign. Last evaluated: 2023-03-01. Review status: criteria provided, single submitter. Criteria: CeGaT Center For Human Genetics Tuebingen Variant Classification Criteria Version 2. Collection method: clinical testing. Allele origin: germline. Affected: yes. Observed: 3 variant alleles.
Comment: FAT1: BP4, BP7

Clinical Genetics DNA and cytogenetics Diagnostics Lab, Erasmus MC, Erasmus Medical Center
Classification: Likely benign. Review status: no assertion criteria provided. Collection method: clinical testing. Allele origin: germline. Affected: yes. Study: VKGL Data-share Consensus. Not counted in ClinVar's aggregate classification.

Genome Diagnostics Laboratory, University Medical Center Utrecht
Classification: Likely benign. Review status: no assertion criteria provided. Collection method: clinical testing. Allele origin: germline. Affected: yes. Study: VKGL Data-share Consensus. Not counted in ClinVar's aggregate classification.